The following is an entry in ClinVar:

NM_000051.4(ATM):c.6457A>C (p.Lys2153Gln)

Genes: C11orf65 (chromosome 11 open reading frame 65; minus strand), ATM (ATM serine/threonine kinase; plus strand). Cytogenetic location: 11q22.3.
Variant type: single nucleotide variant.
Coding change: c.6457A>C on transcript NM_000051.4 (MANE Select); coding-DNA position 6457, A replaced by C.
Protein change: p.Lys2153Gln; replaces lysine 2153 with glutamine.
Molecular consequence: missense variant. On other transcripts: intron variant (2).
Genome position (GRCh38, 1-based): chr11:108,321,305, A>C. VCF-style: chr11-108321305-A-C. GRCh37 (hg19) VCF-style: chr11-108192032-A-C.
Other names: c.6457A>C, p.Lys2153Gln (NM_001351834.2); c.641-12234T>G (NM_001330368.2); c.*39-12234T>G (NM_001351110.2); short protein forms K2153Q.
Identifiers: ClinVar variation 490661 (VCV000490661.8), dbSNP rs1386239935, ClinGen allele CA382553825.
Genomic context (GRCh38, chr11:108,321,305, plus strand): 5'-ATTTCCCTGAAAACCTCTTCTTTATTTTCAGAGTGTCTTTTCTTTTTTGCTACTAGAGTA[A>C]AAGAAGTGGAAGAGATGTGTAAGCGCAGCCTTGAGTCTGTGTATTCGCTCTATCCCACAC-3'
Protein context (NP_000042.3, residues 2143-2163): FYESLKYARV[Lys2153Gln]EVEEMCKRSL

ClinVar aggregate classification (germline): Uncertain significance. Review status: criteria provided, multiple submitters, no conflicts (2 of 4 stars). 2 submissions from 2 submitters: Uncertain significance (2). Last evaluated 2025-09-26.

Conditions:
Hereditary cancer-predisposing syndrome. Also called: Neoplastic Syndromes, Hereditary; Hereditary Cancer Syndrome; Tumor predisposition; Hereditary neoplastic syndrome. Identifiers: Orphanet 140162, MedGen C0027672, MeSH D009386, MONDO:0015356.

Allele frequency attached by ClinVar (database versions not stated): TOPMed below 0.00001.

Submissions (2):

Ambry Genetics
Classification: Uncertain significance for Hereditary cancer-predisposing syndrome. Last evaluated: 2025-09-26. Review status: criteria provided, single submitter. Criteria: Ambry Variant Classification Scheme 2023. Collection method: clinical testing. Allele origin: germline.
Comment: The p.K2153Q variant (also known as c.6457A>C), located in coding exon 44 of the ATM gene, results from an A to C substitution at nucleotide position 6457. The lysine at codon 2153 is replaced by glutamine, an amino acid with similar properties. This amino acid position is well conserved in available vertebrate species. In addition, this alteration is predicted to be tolerated by in silico analysis. Based on the available evidence, the clinical significance of this variant remains unclear.

Color Diagnostics, LLC DBA Color Health
Classification: Uncertain significance for Hereditary cancer-predisposing syndrome. Last evaluated: 2023-12-04. Review status: criteria provided, single submitter. Criteria: ACMG Guidelines, 2015. Collection method: clinical testing. Allele origin: germline.
Comment: This missense variant replaces lysine with glutamine at codon 2153 of the ATM protein. Computational prediction suggests that this variant may not impact protein structure and function (internally defined REVEL score threshold <= 0.5, PMID: 27666373). To our knowledge, functional studies have not been reported for this variant. This variant has not been reported in individuals affected with ATM-related disorders in the literature. This variant has not been identified in the general population by the Genome Aggregation Database (gnomAD). The available evidence is insufficient to determine the role of this variant in disease conclusively. Therefore, this variant is classified as a Variant of Uncertain Significance.